The following is an entry in ClinVar:

NM_182931.3(KMT2E):c.2866A>T (p.Ser956Cys)

Gene: KMT2E (lysine methyltransferase 2E (inactive); plus strand). Cytogenetic location: 7q22.3.
Variant type: single nucleotide variant.
Coding change: c.2866A>T on transcript NM_182931.3 (MANE Select); coding-DNA position 2866, A replaced by T.
Protein change: p.Ser956Cys; replaces serine 956 with cysteine.
Molecular consequence: missense variant.
Genome position (GRCh38, 1-based): chr7:105,107,184, A>T. VCF-style: chr7-105107184-A-T. GRCh37 (hg19) VCF-style: chr7-104747631-A-T.
Other names: c.2866A>T, p.Ser956Cys (NM_018682.4, NM_001410908.1); short protein forms S956C.
Identifiers: ClinVar variation 4885038 (VCV004885038.2).

ClinVar aggregate classification (germline): Uncertain significance (1 of 4 stars; one submission).

Submission:

Dasa
Classification: Uncertain significance. Last evaluated: 2026-01-07. Review status: criteria provided, single submitter. Criteria: DASA Assertion Criteria. Collection method: clinical testing. Allele origin: germline.
Comment: NM_182931.3(KMT2E):c.2866A>T (p.Ser956Cys) is a missense variant that results in the substitution of serine with cysteine. This variant is rare in population databases. The currently available literature and clinical evidence are not sufficient to establish a definitive association between this variant and the reported condition. Therefore, this variant is classified as a variant of uncertain significance.